The following is an entry in ClinVar:

ClinVar aggregate classification (germline): Uncertain significance (1 of 4 stars; one submission).

Conditions:
Congenital myopathy with internal nuclei and atypical cores. Also called: Myopathy, centronuclear, 4. Identifiers: Orphanet 319160, MedGen C4707232, MONDO:0013890, OMIM 614807.

Submission:

Labcorp Genetics (formerly Invitae), Labcorp
Classification: Uncertain significance for Congenital myopathy with internal nuclei and atypical cores. Last evaluated: 2022-03-27. Review status: criteria provided, single submitter. Criteria: Invitae Variant Classification Sherloc (09022015). Collection method: clinical testing. Allele origin: germline.
Comment: Variants that disrupt the consensus splice site are a relatively common cause of aberrant splicing (PMID: 17576681, 9536098). Algorithms developed to predict the effect of sequence changes on RNA splicing suggest that this variant may disrupt the consensus splice site. This sequence change affects codon 351 of the CCDC78 mRNA. It is a 'silent' change, meaning that it does not change the encoded amino acid sequence of the CCDC78 protein. This variant also falls at the last nucleotide of exon 10, which is part of the consensus splice site for this exon. This variant is not present in population databases (gnomAD no frequency). This variant has not been reported in the literature in individuals affected with CCDC78-related conditions. In summary, the available evidence is currently insufficient to determine the role of this variant in disease. Therefore, it has been classified as a Variant of Uncertain Significance.

Literature cited by the submitters: PubMed 17576681; PubMed 9536098.

NM_001378030.1(CCDC78):c.1053G>A (p.Gln351=)

Gene: CCDC78 (coiled-coil domain containing 78; minus strand). Cytogenetic location: 16p13.3.
Variant type: single nucleotide variant.
Coding change: c.1053G>A on transcript NM_001378030.1 (MANE Select); coding-DNA position 1053, G replaced by A.
Protein change: p.Gln351=; no amino-acid change (glutamine 351 retained).
Molecular consequence: synonymous variant. On other transcripts: non-coding transcript variant (5), intron variant (1).
Genome position (GRCh38, 1-based): chr16:724,106, C>T on the plus strand (G>A on the coding strand, the complement: CCDC78 is on the minus strand). VCF-style: chr16-724106-C-T. GRCh37 (hg19) VCF-style: chr16-774106-C-T.
Other names: c.1053G>A, p.Gln351= (NM_001031737.3); c.486G>A, p.Gln162= (NM_001378033.1); c.953+216G>A (NM_001378031.1).
Identifiers: ClinVar variation 2144590 (VCV002144590.4), dbSNP rs2543989593, ClinGen allele CA492830086.